The following is an entry in ClinVar:

ClinVar aggregate classification (germline): Likely benign (0 of 4 stars; one submission).

Conditions:
DCDC1-related disorder. Also called: DCDC1-related condition.

Allele frequency attached by ClinVar (database versions not stated): TOPMed 0.00003; gnomAD 0.00019; gnomAD exomes 0.00049; ExAC 0.00210; 1000 Genomes Project 30x 0.00265; 1000 Genomes Project 0.00280.
gnomAD v4.1: 291 of 702,700 alleles (0.041%); highest among the groups gnomAD compares: South Asian, 0.42%; 2 homozygotes.

Submission:

PreventionGenetics, part of Exact Sciences
Classification: Likely benign for DCDC1-related condition. Last evaluated: 2020-02-14. Review status: no assertion criteria provided. Collection method: clinical testing. Allele origin: germline.
Comment: This variant is classified as likely benign based on ACMG/AMP sequence variant interpretation guidelines (Richards et al. 2015 PMID: 25741868, with internal and published modifications).

NM_001387274.1(DCDC1):c.1421A>G (p.Tyr474Cys)

Gene: DCDC1 (doublecortin domain containing 1; minus strand). Cytogenetic location: 11p13.
Variant type: single nucleotide variant.
Coding change: c.1421A>G on transcript NM_001387274.1 (MANE Select); coding-DNA position 1421, A replaced by G.
Protein change: p.Tyr474Cys; replaces tyrosine 474 with cysteine.
Molecular consequence: missense variant. On other transcripts: non-coding transcript variant (1).
Genome position (GRCh38, 1-based): chr11:31,127,533, T>C on the plus strand (A>G on the coding strand, the complement: DCDC1 is on the minus strand). VCF-style: chr11-31127533-T-C. GRCh37 (hg19) VCF-style: chr11-31149080-T-C.
Other names: NM_001350255.1:c.278A>G; c.1421A>G, p.Tyr474Cys (NM_001367979.1); short protein forms Y474C.
Identifiers: ClinVar variation 3050983 (VCV003050983.2), dbSNP rs368558006, ClinGen allele CA5932396.
Genomic context (GRCh38, chr11:31,127,533, plus strand): 5'-AGCTGCAGGCCTCCTGGGACAAGCGTGTTTGCTGGAAGGCTTTTAATGTGTTGGTAGACA[T>C]AAGAGGAGAATTGCTCCTGCTCAGCCTGTAATTGGGGGCCAAGTTTACAGAGATGACCTA-3'
Protein context (NP_001374203.1, residues 464-484): LQAEQEQFSS[Tyr474Cys]VYQHIKSLPA